The following is an entry in ClinVar:

NM_004612.4(TGFBR1):c.424A>G (p.Met142Val)

Gene: TGFBR1 (transforming growth factor beta receptor 1; plus strand). Cytogenetic location: 9q22.33.
Variant type: single nucleotide variant.
Coding change: c.424A>G on transcript NM_004612.4 (MANE Select); coding-DNA position 424, A replaced by G.
Protein change: p.Met142Val; replaces methionine 142 with valine.
Molecular consequence: missense variant. On other transcripts: intron variant (1).
Genome position (GRCh38, 1-based): chr9:99,132,589, A>G. VCF-style: chr9-99132589-A-G. GRCh37 (hg19) VCF-style: chr9-101894871-A-G.
Other names: c.436A>G, p.Met146Val (NM_001306210.2); c.343+3489A>G (NM_001130916.3); short protein forms M142V, M146V.
Identifiers: ClinVar variation 520224 (VCV000520224.5), dbSNP rs1029455360, ClinGen allele CA374227991.

ClinVar aggregate classification (germline): Uncertain significance (1 of 4 stars; one submission).

Conditions:
Familial thoracic aortic aneurysm and aortic dissection (TAAD). Also called: Thoracic aortic aneurysms and dissections. Identifiers: Orphanet 91387, MedGen C4707243, MONDO:0019625.

Submission:

Ambry Genetics
Classification: Uncertain significance for Familial thoracic aortic aneurysm and aortic dissection. Last evaluated: 2018-01-16. Review status: criteria provided, single submitter. Criteria: Ambry Variant Classification Scheme 2023. Collection method: clinical testing. Allele origin: germline.
Comment: The p.M142V variant (also known as c.424A>G), located in coding exon 3 of the TGFBR1 gene, results from an A to G substitution at nucleotide position 424. The methionine at codon 142 is replaced by valine, an amino acid with highly similar properties, and is located in the GS domain. This amino acid position is not well conserved in available vertebrate species, and valine is the reference amino acid in other vertebrate species. In addition, this alteration is predicted to be tolerated by in silico analysis. Since supporting evidence is limited at this time, the clinical significance of this alteration remains unclear.